The following is an entry in ClinVar:

ClinVar aggregate classification (germline): Uncertain significance (1 of 4 stars; one submission).

Conditions:
Deafness-lymphedema-leukemia syndrome. Also called: Lymphedema, primary, with myelodysplasia; Emberger syndrome. Identifiers: Orphanet 3226, MedGen C3279664, MONDO:0013540, OMIM 614038.
Monocytopenia with susceptibility to infections. Also called: MONOCYTOPENIA AND MYCOBACTERIAL INFECTION SYNDROME; MONOCYTOPENIA WITH SUSCEPTIBILITY TO MYCOBACTERIAL, FUNGAL, AND PAPILLOMAVIRUS INFECTIONS AND MYELODYSPLASIA; COMBINED IMMUNODEFICIENCY WITH SUSCEPTIBILITY TO MYCOBACTERIAL, VIRAL, AND FUNGAL INFECTIONS; Dendritic cell, monocyte, B lymphocyte, and natural killer lymphocyte deficiency; IMMUNODEFICIENCY 21; GATA2 DEFICIENCY. Identifiers: Orphanet 228423, MedGen C3280030, MONDO:0013607, OMIM 614172.

Submission:

Labcorp Genetics (formerly Invitae), Labcorp
Classification: Uncertain significance for Monocytopenia with susceptibility to infections; Deafness-lymphedema-leukemia syndrome. Last evaluated: 2023-02-13. Review status: criteria provided, single submitter. Criteria: Invitae Variant Classification Sherloc (09022015). Collection method: clinical testing. Allele origin: germline.
Comment: This sequence change replaces glycine, which is neutral and non-polar, with arginine, which is basic and polar, at codon 133 of the GATA2 protein (p.Gly133Arg). This variant is not present in population databases (gnomAD no frequency). This variant has not been reported in the literature in individuals affected with GATA2-related conditions. Advanced modeling of protein sequence and biophysical properties (such as structural, functional, and spatial information, amino acid conservation, physicochemical variation, residue mobility, and thermodynamic stability) performed at Invitae indicates that this missense variant is not expected to disrupt GATA2 protein function. In summary, the available evidence is currently insufficient to determine the role of this variant in disease. Therefore, it has been classified as a Variant of Uncertain Significance.

NM_032638.5(GATA2):c.397G>C (p.Gly133Arg)

Gene: GATA2 (GATA binding protein 2; minus strand). Cytogenetic location: 3q21.3.
Variant type: single nucleotide variant.
Coding change: c.397G>C on transcript NM_032638.5 (MANE Select); coding-DNA position 397, G replaced by C.
Protein change: p.Gly133Arg; replaces glycine 133 with arginine.
Molecular consequence: missense variant.
Genome position (GRCh38, 1-based): chr3:128,486,201, C>G on the plus strand (G>C on the coding strand, the complement: GATA2 is on the minus strand). VCF-style: chr3-128486201-C-G. GRCh37 (hg19) VCF-style: chr3-128205044-C-G.
Other names: c.397G>C, p.Gly133Arg (NM_001145661.2, NM_001145662.1); short protein forms G133R.
Identifiers: ClinVar variation 2944195 (VCV002944195.3), dbSNP rs1468344279, ClinGen allele CA354406933.
Genomic context (GRCh38, chr3:128,486,201, plus strand): 5'-CGCTGCCTCCCCCGCTCCCACCCCCAGCCCCTGGGTACACAGAGAGTGGGCCTCCAGGGC[C>G]TCCAGCAGCTGAGGGGTGCAGTGGCGTCTTGGAGAAGGGGCTCACGGTCCAGGGGTTGTG-3'
Protein context (NP_116027.2, residues 123-143): KTPLHPSAAG[Gly133Arg]PGGPLSVYPG